The following is an entry in ClinVar:

ClinVar aggregate classification (germline): Conflicting classifications of pathogenicity. Review status: criteria provided, conflicting classifications (1 of 4 stars). 7 submissions from 7 submitters: Uncertain significance (1); Benign (1); Likely benign (5). Last evaluated 2026-01-10.

Conditions:
Hereditary cancer-predisposing syndrome. Also called: Hereditary neoplastic syndrome; Neoplastic Syndromes, Hereditary; Tumor predisposition; Hereditary Cancer Syndrome. Identifiers: Orphanet 140162, MedGen C0027672, MeSH D009386, MONDO:0015356.
Peutz-Jeghers syndrome (PJS). Also called: POLYPOSIS, HAMARTOMATOUS INTESTINAL; POLYPS-AND-SPOTS SYNDROME; Peutz-Jeghers polyposis; Periorificial lentiginosis syndrome. Identifiers: Orphanet 2869, MedGen C0031269, MeSH D010580, MONDO:0008280, OMIM 175200.

Allele frequency attached by ClinVar (database versions not stated): ExAC below 0.00001; gnomAD exomes below 0.00001 and 0.00001.
gnomAD v4.1: 2 of 1,555,916 alleles (0.00013%); highest among the groups gnomAD compares: Admixed American, 0.0039%; no homozygotes.

Submissions (7):

Labcorp Genetics (formerly Invitae), Labcorp
Classification: Likely benign for Peutz-Jeghers syndrome. Last evaluated: 2026-01-10. Review status: criteria provided, single submitter. Criteria: Invitae Variant Classification Sherloc (09022015). Collection method: clinical testing. Allele origin: germline.

Myriad Genetics, Inc.
Classification: Likely benign for Peutz-Jeghers syndrome. Last evaluated: 2025-03-27. Review status: criteria provided, single submitter. Criteria: Myriad Autosomal Dominant, Autosomal Recessive and X-Linked Classification Criteria (2023). Collection method: clinical testing. Allele origin: unknown.
Comment: This variant is considered likely benign. This variant is intronic and is not expected to impact mRNA splicing.

Molecular Diagnostics Laboratory, Catalan Institute of Oncology
Classification: Uncertain significance for Hereditary cancer-predisposing syndrome. Last evaluated: 2025-01-08. Review status: criteria provided, single submitter. Criteria: ACMG Guidelines, 2015. Collection method: clinical testing. Allele origin: germline.
Comment: BP4 STK11 c.863-4T>C is an intronic variant located close to a canonical splice site. This variant is found in 2/26286 alleles at a frequency of 0.0076% within the latino population in the gnomAD v2.1.1 database, non-cancer dataset. The SpliceAI algorithm predicts no significant impact on splicing (BP4). To our knowledge, neither relevant clinical data nor well-stablished functional studies have been reported for this variant. It has been reported in the ClinVar database (2x benign, 3x likely benign) but it has not been identified in LOVD database. Based on the currently available information, c.863-4T>C is classified as an uncertain significance variant according to ACMG guidelines.

Quest Diagnostics Nichols Institute San Juan Capistrano
Classification: Likely benign. Last evaluated: 2023-08-11. Review status: criteria provided, single submitter. Criteria: Quest Diagnostics criteria. Collection method: clinical testing. Allele origin: unknown.

All of Us Research Program, National Institutes of Health
Classification: Likely benign for Peutz-Jeghers syndrome. Last evaluated: 2023-07-10. Review status: criteria provided, single submitter. Criteria: ACMG Guidelines, 2015. Collection method: clinical testing. Allele origin: germline. Inheritance: Autosomal dominant inheritance. Observed: 2 variant alleles, 2 heterozygotes.
Comment: This study involves interpretation of variants in research participants for the purpose of population health screening. Participant phenotype was not available at the time of variant classification. Additional details can be found in publication PMID: 35346344, PMCID: PMC8962531

Ambry Genetics
Classification: Benign for Hereditary cancer-predisposing syndrome. Last evaluated: 2023-06-07. Review status: criteria provided, single submitter. Criteria: Ambry Variant Classification Scheme 2023. Collection method: clinical testing. Allele origin: germline.

Color Diagnostics, LLC DBA Color Health
Classification: Likely benign for Hereditary cancer-predisposing syndrome. Last evaluated: 2020-10-06. Review status: criteria provided, single submitter. Criteria: ACMG Guidelines, 2015. Collection method: clinical testing. Allele origin: germline.

NM_000455.5(STK11):c.863-4T>C

Gene: STK11 (serine/threonine kinase 11; plus strand). Cytogenetic location: 19p13.3.
Variant type: single nucleotide variant.
Coding change: c.863-4T>C on transcript NM_000455.5 (MANE Select); 4 bases into the intron before coding-DNA position 863, T replaced by C.
Molecular consequence: intron variant.
Genome position (GRCh38, 1-based): chr19:1,221,945, T>C. VCF-style: chr19-1221945-T-C. GRCh37 (hg19) VCF-style: chr19-1221944-T-C.
Identifiers: ClinVar variation 485002 (VCV000485002.20), dbSNP rs778853572, ClinGen allele CA049349.